The following is an entry in ClinVar:

ClinVar aggregate classification (germline): Uncertain significance (1 of 4 stars; one submission).

Submission:

Labcorp Genetics (formerly Invitae), Labcorp
Classification: Uncertain significance. Last evaluated: 2024-07-17. Review status: criteria provided, single submitter. Criteria: Invitae Variant Classification Sherloc (09022015). Collection method: clinical testing. Allele origin: germline.
Comment: This sequence change replaces glutamic acid, which is acidic and polar, with alanine, which is neutral and non-polar, at codon 4 of the TUBGCP4 protein (p.Glu4Ala). This variant is not present in population databases (gnomAD no frequency). This variant has not been reported in the literature in individuals affected with TUBGCP4-related conditions. ClinVar contains an entry for this variant (Variation ID: 1375492). Advanced modeling of protein sequence and biophysical properties (such as structural, functional, and spatial information, amino acid conservation, physicochemical variation, residue mobility, and thermodynamic stability) performed at Invitae indicates that this missense variant is expected to disrupt TUBGCP4 protein function with a positive predictive value of 80%. In summary, the available evidence is currently insufficient to determine the role of this variant in disease. Therefore, it has been classified as a Variant of Uncertain Significance.

NM_014444.5(TUBGCP4):c.11A>C (p.Glu4Ala)

Gene: TUBGCP4 (tubulin gamma complex component 4; plus strand). Cytogenetic location: 15q15.3.
Variant type: single nucleotide variant.
Coding change: c.11A>C on transcript NM_014444.5 (MANE Select); coding-DNA position 11, A replaced by C.
Protein change: p.Glu4Ala; replaces glutamic acid 4 with alanine.
Molecular consequence: missense variant.
Genome position (GRCh38, 1-based): chr15:43,371,365, A>C. VCF-style: chr15-43371365-A-C. GRCh37 (hg19) VCF-style: chr15-43663563-A-C.
Other names: c.11A>C, p.Glu4Ala (NM_001286414.3); short protein forms E4A.
Identifiers: ClinVar variation 1375492 (VCV001375492.6), dbSNP rs2142747439, ClinGen allele CA392112569.
Genomic context (GRCh38, chr15:43,371,365, plus strand): 5'-GCGCTGGAGGAGGGGGTGACATAACCAGGGACTCGAGGTCCGCCGTGGGAATGATCCACG[A>C]ACTGCTCTTGGCTCTGAGCGGGTACCCTGGGTCCATTTTCACCTGGAACAAGCGGAGTGG-3'
Protein context (NP_055259.2, residues 1-14): MIH[Glu4Ala]LLLALSGYPG